The following is an entry in ClinVar:

NM_022436.3(ABCG5):c.827C>T (p.Thr276Met)

Genes: ABCG5 (ATP binding cassette subfamily G member 5; minus strand), DYNC2LI1 (dynein cytoplasmic 2 light intermediate chain 1; plus strand). Cytogenetic location: 2p21.
Variant type: single nucleotide variant.
Coding change: c.827C>T on transcript NM_022436.3 (MANE Select); coding-DNA position 827, C replaced by T.
Protein change: p.Thr276Met; replaces threonine 276 with methionine.
Molecular consequence: missense variant. On other transcripts: intron variant (2).
Genome position (GRCh38, 1-based): chr2:43,824,966, G>A on the plus strand (C>T on the coding strand, the complement: ABCG5 is on the minus strand). VCF-style: chr2-43824966-G-A. GRCh37 (hg19) VCF-style: chr2-44052105-G-A.
Other names: c.*16-2420G>A (NM_001348913.2, NM_001348912.2); short protein forms T276M.
Identifiers: ClinVar variation 896405 (VCV000896405.12), dbSNP rs368800131, ClinGen allele CA1636497.

ClinVar aggregate classification (germline): Uncertain significance. Review status: criteria provided, multiple submitters, no conflicts (2 of 4 stars). 3 submissions from 3 submitters: Uncertain significance (3). Last evaluated 2025-05-05.

Conditions:
Sitosterolemia 1. Identifiers: MedGen C2749759, MONDO:0020747, OMIM 210250.
Cardiovascular phenotype. Identifiers: MedGen CN230736.
Sitosterolemia (STSL). Also called: PHYTOSTEROLEMIA. Identifiers: Orphanet 2882, MedGen C0342907, MONDO:0008863.

Allele frequency attached by ClinVar (database versions not stated): gnomAD exomes 0.00002 and 0.00001; gnomAD 0.00003 and 0.00002; ExAC 0.00002; TOPMed 0.00004; ESP Exome Variant Server 0.00008.
gnomAD v4.1: 17 of 1,613,878 alleles (0.0011%); highest among the groups gnomAD compares: African/African-American, 0.0053%; no homozygotes.

Submissions (3):

Labcorp Genetics (formerly Invitae), Labcorp
Classification: Uncertain significance for Sitosterolemia. Last evaluated: 2025-05-05. Review status: criteria provided, single submitter. Criteria: Invitae Variant Classification Sherloc (09022015). Collection method: clinical testing. Allele origin: germline.
Comment: This sequence change replaces threonine, which is neutral and polar, with methionine, which is neutral and non-polar, at codon 276 of the ABCG5 protein (p.Thr276Met). This variant is present in population databases (rs368800131, gnomAD 0.008%). This variant has not been reported in the literature in individuals affected with ABCG5-related conditions. ClinVar contains an entry for this variant (Variation ID: 896405). An algorithm developed to predict the effect of missense changes on protein structure and function (PolyPhen-2) suggests that this variant is likely to be disruptive. In summary, the available evidence is currently insufficient to determine the role of this variant in disease. Therefore, it has been classified as a Variant of Uncertain Significance.

Ambry Genetics
Classification: Uncertain significance for Cardiovascular phenotype. Last evaluated: 2024-08-28. Review status: criteria provided, single submitter. Criteria: Ambry Variant Classification Scheme 2023. Collection method: clinical testing. Allele origin: germline.
Comment: The p.T276M variant (also known as c.827C>T), located in coding exon 7 of the ABCG5 gene, results from a C to T substitution at nucleotide position 827. The threonine at codon 276 is replaced by methionine, an amino acid with similar properties. This amino acid position is conserved. In addition, this alteration is predicted to be tolerated by in silico analysis. Since supporting evidence is limited at this time, the clinical significance of this alteration remains unclear.

Illumina Laboratory Services, Illumina
Classification: Uncertain significance for Sitosterolemia 1. Last evaluated: 2018-01-13. Review status: criteria provided, single submitter. Criteria: ICSL Variant Classification Criteria 13 December 2019. Collection method: clinical testing. Allele origin: germline.